The following is an entry in ClinVar:

ClinVar aggregate classification (germline): Uncertain significance (1 of 4 stars; one submission).

Conditions:
Seizures, benign familial infantile, 3 (BFIS3). Also called: CONVULSIONS, BENIGN FAMILIAL INFANTILE, 3; Familial neonatal seizures. Identifiers: Orphanet 140927, Orphanet 306, MedGen C1843140, MONDO:0011904, OMIM 607745.
Developmental and epileptic encephalopathy, 11 (DEE11). Also called: Early infantile epileptic encephalopathy 11. Identifiers: Orphanet 1934, MedGen C3150987, MONDO:0013388, OMIM 613721.

Submission:

Labcorp Genetics (formerly Invitae), Labcorp
Classification: Uncertain significance for Seizures, benign familial infantile, 3; Developmental and epileptic encephalopathy, 11. Last evaluated: 2023-02-08. Review status: criteria provided, single submitter. Criteria: Invitae Variant Classification Sherloc (09022015). Collection method: clinical testing. Allele origin: germline.
Comment: In summary, the available evidence is currently insufficient to determine the role of this variant in disease. Therefore, it has been classified as a Variant of Uncertain Significance. Advanced modeling of protein sequence and biophysical properties (such as structural, functional, and spatial information, amino acid conservation, physicochemical variation, residue mobility, and thermodynamic stability) performed at Invitae indicates that this missense variant is expected to disrupt SCN2A protein function. This variant has not been reported in the literature in individuals affected with SCN2A-related conditions. This variant is not present in population databases (gnomAD no frequency). This sequence change replaces tyrosine, which is neutral and polar, with histidine, which is basic and polar, at codon 1443 of the SCN2A protein (p.Tyr1443His).

NM_001040142.2(SCN2A):c.4327T>C (p.Tyr1443His)

Gene: SCN2A (sodium voltage-gated channel alpha subunit 2; plus strand). Cytogenetic location: 2q24.3.
Variant type: single nucleotide variant.
Coding change: c.4327T>C on transcript NM_001040142.2 (MANE Select); coding-DNA position 4327, T replaced by C.
Protein change: p.Tyr1443His; replaces tyrosine 1443 with histidine.
Molecular consequence: missense variant.
Genome position (GRCh38, 1-based): chr2:165,380,610, T>C. VCF-style: chr2-165380610-T-C. GRCh37 (hg19) VCF-style: chr2-166237120-T-C.
Other names: c.4327T>C, p.Tyr1443His (NM_001040143.2, NM_001371246.1, NM_001371247.1 and 1 more transcripts); short protein forms Y1443H.
Identifiers: ClinVar variation 2944053 (VCV002944053.3), dbSNP rs2468126338, ClinGen allele CA349033659.